The following is an entry in ClinVar:

ClinVar aggregate classification (germline): Uncertain significance (1 of 4 stars; one submission).

Submission:

Labcorp Genetics (formerly Invitae), Labcorp
Classification: Uncertain significance. Last evaluated: 2023-07-20. Review status: criteria provided, single submitter. Criteria: Invitae Variant Classification Sherloc (09022015). Collection method: clinical testing. Allele origin: germline.
Comment: In summary, the available evidence is currently insufficient to determine the role of this variant in disease. Therefore, it has been classified as a Variant of Uncertain Significance. This sequence change replaces asparagine, which is neutral and polar, with histidine, which is basic and polar, at codon 739 of the ITPR1 protein (p.Asn739His). This variant is not present in population databases (gnomAD no frequency). This variant has not been reported in the literature in individuals affected with ITPR1-related conditions. Advanced modeling of protein sequence and biophysical properties (such as structural, functional, and spatial information, amino acid conservation, physicochemical variation, residue mobility, and thermodynamic stability) has been performed at Invitae for this missense variant, however the output from this modeling did not meet the statistical confidence thresholds required to predict the impact of this variant on ITPR1 protein function.

NM_001378452.1(ITPR1):c.2260A>C (p.Asn754His)

Gene: ITPR1 (inositol 1,4,5-trisphosphate receptor type 1; plus strand). Cytogenetic location: 3p26.1.
Variant type: single nucleotide variant.
Coding change: c.2260A>C on transcript NM_001378452.1 (MANE Select); coding-DNA position 2260, A replaced by C.
Protein change: p.Asn754His; replaces asparagine 754 with histidine.
Molecular consequence: missense variant.
Genome position (GRCh38, 1-based): chr3:4,673,191, A>C. VCF-style: chr3-4673191-A-C. GRCh37 (hg19) VCF-style: chr3-4714875-A-C.
Other names: c.2260A>C, p.Asn754His (NM_001099952.4); c.2215A>C, p.Asn739His (NM_001168272.2, NM_002222.7); short protein forms N739H, N754H.
Identifiers: ClinVar variation 2743143 (VCV002743143.3), dbSNP rs2470755576, ClinGen allele CA351646497.